The following is an entry in ClinVar:

ClinVar aggregate classification (germline): Conflicting classifications of pathogenicity. Review status: criteria provided, conflicting classifications (1 of 4 stars). 10 submissions from 10 submitters: Uncertain significance (9); Likely benign (1). Last evaluated 2026-08-01.

Conditions:
Polymicrogyria with or without vascular-type Ehlers-Danlos syndrome. Identifiers: Orphanet 636941, MedGen C5193040, MONDO:0032688, OMIM 618343.
Ehlers-Danlos syndrome, type 4 (EDSVASC). Also called: Ehlers-Danlos syndrome vascular type; Ehlers Danlos syndrome, ecchymotic type; Ehlers Danlos syndrome, arterial type; Ehlers Danlos syndrome, Sack-Barabas type; Ehlers-Danlos Syndrome Type IV. Identifiers: Orphanet 286, MedGen C0268338, MONDO:0017314, OMIM 130050.
Familial thoracic aortic aneurysm and aortic dissection (TAAD). Also called: Thoracic aortic aneurysms and dissections. Identifiers: Orphanet 91387, MedGen C4707243, MONDO:0019625.

Allele frequency attached by ClinVar (database versions not stated): gnomAD exomes 0.00001; ExAC 0.00002; gnomAD 0.00002 and 0.00003; TOPMed 0.00002.
gnomAD v4.1: 22 of 1,614,072 alleles (0.0014%); highest among the groups gnomAD compares: East Asian, 0.011%; 1 homozygote.

Submissions (10):

CeGaT Center for Human Genetics Tuebingen
Classification: Uncertain significance. Last evaluated: 2026-08-01. Review status: criteria provided, single submitter. Criteria: CeGaT Center For Human Genetics Tuebingen Variant Classification Criteria Version 2. Collection method: clinical testing. Allele origin: germline. Affected: yes. Observed: 1 variant allele.

Ambry Genetics
Classification: Uncertain significance for Familial thoracic aortic aneurysm and aortic dissection. Last evaluated: 2025-07-31. Review status: criteria provided, single submitter. Criteria: Ambry Variant Classification Scheme 2023. Collection method: clinical testing. Allele origin: germline.
Comment: The p.R1358Q variant (also known as c.4073G>A), located in coding exon 50 of the COL3A1 gene, results from a G to A substitution at nucleotide position 4073. The arginine at codon 1358 is replaced by glutamine, an amino acid with highly similar properties. This amino acid position is highly conserved in available vertebrate species. In addition, the in silico prediction for this alteration is inconclusive. Based on the available evidence, the clinical significance of this variant remains unclear.

Color Diagnostics, LLC DBA Color Health
Classification: Uncertain significance for Familial thoracic aortic aneurysm and aortic dissection. Last evaluated: 2025-06-19. Review status: criteria provided, single submitter. Criteria: ACMG Guidelines, 2015. Collection method: clinical testing. Allele origin: germline.
Comment: This missense variant replaces arginine with glutamine at codon 1358 of the COL3A1 protein. Computational prediction tool is inconclusive regarding the impact of this variant on protein structure and function. To our knowledge, functional studies have not been performed for this variant. This variant has been reported in an individual affected with ascending aortic aneurysm (Weerakkody 2017, dissertation, Imperial College London) and in another individual affected with craniosynostosis (PMID: 37086723). This variant has been identified in 3/251220 chromosomes in the general population by the Genome Aggregation Database (gnomAD). The available evidence is insufficient to determine the role of this variant in disease conclusively. Therefore, this variant is classified as a Variant of Uncertain Significance.

Women's Health and Genetics/Laboratory Corporation of America, LabCorp
Classification: Uncertain significance. Last evaluated: 2025-05-12. Review status: criteria provided, single submitter. Criteria: LabCorp Variant Classification Summary - May 2015. Collection method: clinical testing. Allele origin: germline.
Comment: Variant summary: COL3A1 c.4073G>A (p.Arg1358Gln) results in a conservative amino acid change in the encoded protein sequence. Algorithms developed to predict the effect of missense changes on protein structure and function are either unavailable or do not agree on the potential impact of this missense change. The variant allele was found at a frequency of 1.2e-05 in 251220 control chromosomes. The available data on variant occurrences in the general population are insufficient to allow any conclusion about variant significance. To our knowledge, no occurrence of c.4073G>A in individuals affected with Polymicrogyria with or without vascular-type Ehlers-Danlos syndrome and no experimental evidence demonstrating its impact on protein function have been reported. ClinVar contains an entry for this variant (Variation ID: 263557). Based on the evidence outlined above, the variant was classified as uncertain significance.

Blueprint Genetics
Classification: Likely benign. Last evaluated: 2024-10-28. Review status: criteria provided, single submitter. Criteria: ACMG Guidelines, 2015. Collection method: clinical testing. Allele origin: germline.

All of Us Research Program, National Institutes of Health
Classification: Uncertain significance for Ehlers-Danlos syndrome, type 4. Last evaluated: 2024-05-14. Review status: criteria provided, single submitter. Criteria: ACMG Guidelines, 2015. Collection method: clinical testing. Allele origin: germline. Inheritance: Autosomal dominant inheritance. Observed: 3 variant alleles, 3 heterozygotes.
Comment: This missense variant replaces arginine with glutamine at codon 1358 of the COL3A1 protein. Computational prediction is inconclusive regarding the impact of this variant on protein structure and function (internally defined REVEL score threshold 0.5 < inconclusive < 0.7, PMID: 27666373). To our knowledge, functional studies have not been performed for this variant. This variant has been reported in an individual affected with ascending aortic aneurysm (Weerakkody 2017, dissertation, Imperial College London) and in another individual affected with craniosynostosis (PMID: 37086723). This variant has been identified in 3/251220 chromosomes in the general population by the Genome Aggregation Database (gnomAD). The available evidence is insufficient to determine the role of this variant in disease conclusively. Therefore, this variant is classified as a Variant of Uncertain Significance.

This study involves interpretation of variants in research participants for the purpose of population health screening. Participant phenotype was not available at the time of variant classification. Additional details can be found in publication PMID: 35346344, PMCID: PMC8962531

Labcorp Genetics (formerly Invitae), Labcorp
Classification: Uncertain significance for Ehlers-Danlos syndrome, type 4. Last evaluated: 2023-11-27. Review status: criteria provided, single submitter. Criteria: Invitae Variant Classification Sherloc (09022015). Collection method: clinical testing. Allele origin: germline.
Comment: This sequence change replaces arginine, which is basic and polar, with glutamine, which is neutral and polar, at codon 1358 of the COL3A1 protein (p.Arg1358Gln). This variant is present in population databases (rs745656610, gnomAD 0.006%). This variant has not been reported in the literature in individuals affected with COL3A1-related conditions. ClinVar contains an entry for this variant (Variation ID: 263557). Advanced modeling of protein sequence and biophysical properties (such as structural, functional, and spatial information, amino acid conservation, physicochemical variation, residue mobility, and thermodynamic stability) performed at Invitae indicates that this missense variant is not expected to disrupt COL3A1 protein function with a negative predictive value of 95%. In summary, the available evidence is currently insufficient to determine the role of this variant in disease. Therefore, it has been classified as a Variant of Uncertain Significance.

GeneDx
Classification: Uncertain significance. Last evaluated: 2023-04-07. Review status: criteria provided, single submitter. Criteria: GeneDx Variant Classification Process June 2021. Collection method: clinical testing. Allele origin: germline. Affected: yes.
Comment: Has not been previously published as pathogenic or benign to our knowledge; Not observed at significant frequency in large population cohorts (gnomAD); Not located in the triple helical region, where the majority of pathogenic missense variants occur (HGMD); In silico analysis supports that this missense variant has a deleterious effect on protein structure/function

Mayo Clinic Laboratories, Mayo Clinic
Classification: Uncertain significance. Last evaluated: 2021-08-18. Review status: criteria provided, single submitter. Criteria: ACMG Guidelines, 2015. Collection method: clinical testing. Allele origin: germline.

ARUP Laboratories, Molecular Genetics and Genomics, ARUP Laboratories
Classification: Uncertain significance. Last evaluated: 2018-07-14. Review status: criteria provided, single submitter. Criteria: ARUP Molecular Germline Variant Investigation Process. Collection method: clinical testing. Allele origin: germline.
Comment: The COL3A1 c.4073G>A; p.Arg1358Gln variant (rs745656610), to our knowledge, is not reported in the medical literature or gene specific databases. This variant is reported as uncertain significance by one laboratory in ClinVar (Variation ID: 263557), and is found in the general population with an overall allele frequency of 0.0012% (3/245964 alleles) in the Genome Aggregation Database. The arginine at codon 1358 is highly conserved, but computational analyses (SIFT: tolerated, PolyPhen-2: deleterious) predict conflicting effects of this variant on protein structure/function. Due to limited information, the clinical significance of the c.4073G>A; p.Arg1358Gln variant is uncertain at this time.

Literature cited by the submitters: PubMed 37086723 (cited by 3 submitters).

NM_000090.4(COL3A1):c.4073G>A (p.Arg1358Gln)

Gene: COL3A1 (collagen type III alpha 1 chain; plus strand). Cytogenetic location: 2q32.2.
Variant type: single nucleotide variant.
Coding change: c.4073G>A on transcript NM_000090.4 (MANE Select); coding-DNA position 4073, G replaced by A.
Protein change: p.Arg1358Gln; replaces arginine 1358 with glutamine.
Molecular consequence: missense variant.
Genome position (GRCh38, 1-based): chr2:189,010,709, G>A. VCF-style: chr2-189010709-G-A. GRCh37 (hg19) VCF-style: chr2-189875435-G-A.
Other names: p.Arg1358Gln; short protein forms R1358Q.
Identifiers: ClinVar variation 263557 (VCV000263557.35), dbSNP rs745656610, ClinGen allele CA076442.